The following is an entry in ClinVar:

ClinVar aggregate classification (germline): Likely benign (0 of 4 stars; one submission).

Conditions:
GATA6-related disorder. Also called: GATA6-related condition.

gnomAD v4.1: 1 of 1,498,614 alleles (0.000067%); highest among the groups gnomAD compares: Non-Finnish European, 0.000088%; no homozygotes.

Submission:

PreventionGenetics, part of Exact Sciences
Classification: Likely benign for GATA6-related condition. Last evaluated: 2020-02-19. Review status: no assertion criteria provided. Collection method: clinical testing. Allele origin: germline.
Comment: This variant is classified as likely benign based on ACMG/AMP sequence variant interpretation guidelines (Richards et al. 2015 PMID: 25741868, with internal and published modifications).

NM_005257.6(GATA6):c.534A>T (p.Ala178=)

Gene: GATA6 (GATA binding protein 6; plus strand). Cytogenetic location: 18q11.2.
Variant type: single nucleotide variant.
Coding change: c.534A>T on transcript NM_005257.6 (MANE Select); coding-DNA position 534, A replaced by T.
Protein change: p.Ala178=; no amino-acid change (alanine 178 retained).
Molecular consequence: synonymous variant.
Genome position (GRCh38, 1-based): chr18:22,171,678, A>T. VCF-style: chr18-22171678-A-T. GRCh37 (hg19) VCF-style: chr18-19751639-A-T.
Identifiers: ClinVar variation 3037848 (VCV003037848.2), dbSNP rs1166249324, ClinGen allele CA503529654.